The following is an entry in ClinVar:

ClinVar aggregate classification (germline): Uncertain significance (1 of 4 stars; one submission).

Conditions:
Early-infantile DEE. Also called: Early infantile epileptic encephalopathy; Early infantile epileptic encephalopathy with suppression bursts; Ohtahara syndrome. Identifiers: Orphanet 1934, MedGen C0393706, MONDO:0800491.

Allele frequency attached by ClinVar (database versions not stated): gnomAD exomes below 0.00001.

Submission:

Labcorp Genetics (formerly Invitae), Labcorp
Classification: Uncertain significance for Early-infantile DEE. Last evaluated: 2022-12-02. Review status: criteria provided, single submitter. Criteria: Invitae Variant Classification Sherloc (09022015). Collection method: clinical testing. Allele origin: germline.
Comment: Advanced modeling of protein sequence and biophysical properties (such as structural, functional, and spatial information, amino acid conservation, physicochemical variation, residue mobility, and thermodynamic stability) performed at Invitae indicates that this missense variant is expected to disrupt SCN1A protein function. In summary, the available evidence is currently insufficient to determine the role of this variant in disease. Therefore, it has been classified as a Variant of Uncertain Significance. This variant has not been reported in the literature in individuals affected with SCN1A-related conditions. This variant is not present in population databases (gnomAD no frequency). This sequence change replaces leucine, which is neutral and non-polar, with proline, which is neutral and non-polar, at codon 1647 of the SCN1A protein (p.Leu1647Pro).

NM_001165963.4(SCN1A):c.4940T>C (p.Leu1647Pro)

Genes: SCN1A (sodium voltage-gated channel alpha subunit 1; minus strand), LOC102724058 (uncharacterized LOC102724058; plus strand). Cytogenetic location: 2q24.3.
Variant type: single nucleotide variant.
Coding change: c.4940T>C on transcript NM_001165963.4 (MANE Select); coding-DNA position 4940, T replaced by C.
Protein change: p.Leu1647Pro; replaces leucine 1647 with proline.
Molecular consequence: missense variant. On other transcripts: non-coding transcript variant (1).
Genome position (GRCh38, 1-based): chr2:165,992,335, A>G on the plus strand (T>C on the coding strand, the complement: SCN1A is on the minus strand). VCF-style: chr2-165992335-A-G. GRCh37 (hg19) VCF-style: chr2-166848845-A-G.
Other names: c.4856T>C, p.Leu1619Pro (NM_001165964.3, NM_001353957.2, NM_001353958.2); c.4940T>C, p.Leu1647Pro (NM_001202435.3, NM_001353948.2); c.4907T>C, p.Leu1636Pro (NM_001353949.2, NM_001353950.2, NM_001353951.2 and 2 more transcripts); c.4904T>C, p.Leu1635Pro (NM_001353954.2, NM_001353955.2); c.4853T>C, p.Leu1618Pro (NM_001353960.2); c.2498T>C, p.Leu833Pro (NM_001353961.2); short protein forms L833P, L1618P, L1619P, L1635P, L1636P, L1647P.
Identifiers: ClinVar variation 2817910 (VCV002817910.3), dbSNP rs2468340376, ClinGen allele CA349070094.
Genomic context (GRCh38, chr2:165,992,335, plus strand): 5'-AGGGACATCATCAAAGCAAAGAGCAGCGTGCGGATCCCCTTTGCTCCTTTGATCAGACGT[A>G]GGATTCGGCCAATCCTAGCAAGACGGATCACTCGGAACAGGGTAGGGGACACGAAATACT-3'
Protein context (NP_001159435.1, residues 1637-1657): VIRLARIGRI[Leu1647Pro]RLIKGAKGIR